The following is an entry in ClinVar:

ClinVar aggregate classification (germline): Likely benign. Review status: criteria provided, multiple submitters, no conflicts (2 of 4 stars). 3 submissions from 3 submitters: Likely benign (3). Last evaluated 2023-11-27.

Conditions:
Dyskeratosis congenita. Identifiers: Orphanet 1775, MedGen C0265965, MONDO:0015780.
Dyskeratosis congenita, autosomal dominant 2. Identifiers: MedGen C3151443, MONDO:0013521, OMIM 613989.
Idiopathic Pulmonary Fibrosis. Also called: Idiopathic fibrosing alveolitis, chronic form; idiopathic fibrosing alveolitis. Identifiers: Orphanet 2032, MedGen C1800706, MeSH D054990, MONDO:0800504.

Submissions (3):

Labcorp Genetics (formerly Invitae), Labcorp
Classification: Likely benign for Dyskeratosis congenita, autosomal dominant 2; Idiopathic Pulmonary Fibrosis. Last evaluated: 2023-11-27. Review status: criteria provided, single submitter. Criteria: Invitae Variant Classification Sherloc (09022015). Collection method: clinical testing. Allele origin: germline.

CeGaT Center for Human Genetics Tuebingen
Classification: Likely benign. Last evaluated: 2023-01-01. Review status: criteria provided, single submitter. Criteria: CeGaT Center For Human Genetics Tuebingen Variant Classification Criteria Version 2. Collection method: clinical testing. Allele origin: germline. Affected: yes. Observed: 1 variant allele.
Comment: TERT: PM2:Supporting, BP4, BP7

Ambry Genetics
Classification: Likely benign for Dyskeratosis congenita. Last evaluated: 2022-03-16. Review status: criteria provided, single submitter. Criteria: Ambry Variant Classification Scheme 2023. Collection method: clinical testing. Allele origin: germline.

NM_198253.3(TERT):c.198C>T (p.Pro66=)

Genes: TERT (telomerase reverse transcriptase; minus strand), LOC110806263 (TERT 5' regulatory region; plus strand). Cytogenetic location: 5p15.33.
Variant type: single nucleotide variant.
Coding change: c.198C>T on transcript NM_198253.3 (MANE Select); coding-DNA position 198, C replaced by T.
Protein change: p.Pro66=; no amino-acid change (proline 66 retained).
Molecular consequence: synonymous variant. On other transcripts: non-coding transcript variant (2).
Genome position (GRCh38, 1-based): chr5:1,294,792, G>A on the plus strand (C>T on the coding strand, the complement: TERT is on the minus strand). VCF-style: chr5-1294792-G-A. GRCh37 (hg19) VCF-style: chr5-1294907-G-A.
Other names: c.198C>T, p.Pro66= (NM_001193376.3).
Identifiers: ClinVar variation 1126225 (VCV001126225.34), dbSNP rs2126691411, ClinGen allele CA443005585.
Genomic context (GRCh38, chr5:1,294,792, plus strand): 5'-CCTCAACCCCAGCCGGACGCCGACCCCGGGGAGGCCCACCTGGCGGAAGGAGGGGGCGGC[G>A]GGGGGCGGCCGTGCGTCCCAGGGCACGCACACCAGGCACTGGGCCACCAGCGCGCGGAAA-3'
Protein context (NP_937983.2, residues 56-76): VCVPWDARPP[Pro66=]AAPSFRQVSC